The following is an entry in ClinVar:

ClinVar aggregate classification (germline): Uncertain significance (1 of 4 stars; one submission).

Conditions:
Cardiomyopathy (CMYO). Also called: Cardiomyopathies. Identifiers: Orphanet 167848, MedGen C0878544, MONDO:0004994, HP:0001638. Inheritance: Various modes of inheritance.

Submission:

Color Diagnostics, LLC DBA Color Health
Classification: Uncertain significance for Cardiomyopathy. Last evaluated: 2024-03-06. Review status: criteria provided, single submitter. Criteria: ACMG Guidelines, 2015. Collection method: clinical testing. Allele origin: germline.
Comment: This missense variant replaces glycine with aspartic acid at codon 1154 of the DSP protein. Computational prediction suggests that this variant may not impact protein structure and function (internally defined REVEL score threshold <= 0.5, PMID: 27666373). To our knowledge, functional studies have not been reported for this variant. This variant has not been reported in individuals affected with cardiovascular disorders in the literature. This variant has not been identified in the general population by the Genome Aggregation Database (gnomAD). The available evidence is insufficient to determine the role of this variant in disease conclusively. Therefore, this variant is classified as a Variant of Uncertain Significance.

NM_004415.4(DSP):c.3461G>A (p.Gly1154Asp)

Gene: DSP (desmoplakin; plus strand). Cytogenetic location: 6p24.3.
Variant type: single nucleotide variant.
Coding change: c.3461G>A on transcript NM_004415.4 (MANE Select); coding-DNA position 3461, G replaced by A.
Protein change: p.Gly1154Asp; replaces glycine 1154 with aspartic acid.
Molecular consequence: missense variant.
Genome position (GRCh38, 1-based): chr6:7,579,651, G>A. VCF-style: chr6-7579651-G-A. GRCh37 (hg19) VCF-style: chr6-7579884-G-A.
Other names: c.3461G>A, p.Gly1154Asp (NM_001008844.3, NM_001319034.2); short protein forms G1154D.
Identifiers: ClinVar variation 1171261 (VCV001171261.3), dbSNP rs2113691810, ClinGen allele CA362684110.